The following is an entry in ClinVar:

ClinVar aggregate classification (germline): Uncertain significance. Review status: reviewed by expert panel (3 of 4 stars). 3 submissions from 3 submitters: Uncertain significance (1). 2 of the submissions do not count toward it. Last evaluated 2025-10-28.

Conditions:
DICER1-related tumor predisposition. Also called: DICER1 syndrome; DICER1-related pleuropulmonary blastoma cancer predisposition syndrome. Identifiers: Orphanet 284343, MedGen C3839822, MONDO:0100216.

Submissions (3):

ClinGen DICER1 and miRNA-Processing Gene Variant Curation Expert Panel, ClinGen
Classification: Uncertain significance for DICER1-related tumor predisposition. Last evaluated: 2025-10-28. Review status: reviewed by expert panel. Criteria: ClinGen DICER1 ACMG Specifications DICER1 V1.4.0. Collection method: curation. Allele origin: germline. Inheritance: Autosomal dominant inheritance.
Comment: The NM_177438.3:c.2236A>G variant in DICER1 is a missense variant predicted to cause substitution of arginine by glycine at amino acid 746 (p.Arg746Gly). This variant received a total of 1 phenotype point across 1 proband with pleuropulmonary blastoma, meeting DICER1 VCEP phenotype specificity scoring criteria of 1-1.5 points (PS4_Supporting; PMID: 26925222). This observation was observed as a de novo occurrence with constitutional mosaicism (PS2; PMIDs:26925222). This variant is absent from gnomAD v4.1.0 (PM2_Supporting). The computational predictor REVEL gives a score of 0.409, which is below the threshold of 0.5, and the splice site predictor SpliceAI indicates that the variant has no impact on splicing, evidence that does not predict a damaging effect on DICER1 function (BP4). In summary, this variant meets the criteria to be classified as Uncertain Significance for DICER1-related tumor predisposition based on the ACMG/AMP criteria applied, as specified by the ClinGen DICER1 VCEP: PS4_Supporting, PS2, PM2_Supporting, BP4. (Bayesian Points: 5; VCEP specifications version 1.4.0; 10/28/2025)

Foulkes Cancer Genetics LDI, Lady Davis Institute for Medical Research
Classification: Uncertain significance. Last evaluated: 2019-07-01. Review status: criteria provided, single submitter. Criteria: ACMG Guidelines, 2015. Collection method: curation. Allele origin: de novo. Affected: yes. Observed: 1 variant allele. Not counted in ClinVar's aggregate classification.
Comment: ACMG criteria met: PP3, PP4, BP1

International Pleuropulmonary Blastoma Registry, Children's Hospitals and Clinics of Minnesota
Classification: Pathogenic for Pleuropulmonary blastoma. Last evaluated: 2014-11-10. Review status: criteria provided, single submitter. Criteria: Hill et al. (Science. 2009). Collection method: clinical testing. Allele origin: somatic. Affected: yes. Study: PPB-DICER1 Genetic study. Not counted in ClinVar's aggregate classification.

Literature cited by the submitters: PubMed 26925222 (cited by Foulkes Cancer Genetics LDI, Lady Davis Institute for Medical Research and International Pleuropulmonary Blastoma Registry, Children's Hospitals and Clinics of Minnesota).

NM_177438.3(DICER1):c.2236A>G (p.Arg746Gly)

Gene: DICER1 (dicer 1, ribonuclease III; minus strand). Cytogenetic location: 14q32.13.
Variant type: single nucleotide variant.
Coding change: c.2236A>G on transcript NM_177438.3 (MANE Select); coding-DNA position 2236, A replaced by G.
Protein change: p.Arg746Gly; replaces arginine 746 with glycine.
Molecular consequence: missense variant.
Genome position (GRCh38, 1-based): chr14:95,111,337, T>C on the plus strand (A>G on the coding strand, the complement: DICER1 is on the minus strand). VCF-style: chr14-95111337-T-C. GRCh37 (hg19) VCF-style: chr14-95577674-T-C.
Other names: NM_177438.3(DICER1):c.2236A>G; p.Arg746Gly; c.2236A>G, p.Arg746Gly (NM_001195573.1, NM_001271282.3, NM_001291628.2 and 1 more transcripts); short protein forms R746G.
Identifiers: ClinVar variation 254305 (VCV000254305.6), dbSNP rs886037686, ClinGen allele CA10586443.